The following is an entry in ClinVar:

ClinVar aggregate classification (germline): Uncertain significance (1 of 4 stars; one submission).

Allele frequency attached by ClinVar (database versions not stated): gnomAD exomes 0.00001; TOPMed below 0.00001.
gnomAD v4.1: 8 of 1,614,194 alleles (0.0005%); highest among the groups gnomAD compares: Non-Finnish European, 0.00068%; no homozygotes.

Submission:

GeneDx
Classification: Uncertain significance. Last evaluated: 2026-01-07. Review status: criteria provided, single submitter. Criteria: GeneDx Variant Classification Process June 2021. Collection method: clinical testing. Allele origin: germline.
Comment: Not observed at significant frequency in large population cohorts (gnomAD); In silico analysis suggests that this missense variant does not alter protein structure/function; Has not been previously published as pathogenic or benign to our knowledge

NM_004667.6(HERC2):c.2296A>G (p.Ile766Val)

Gene: HERC2 (HECT and RLD domain containing E3 ubiquitin protein ligase 2; minus strand). Cytogenetic location: 15q13.1.
Variant type: single nucleotide variant.
Coding change: c.2296A>G on transcript NM_004667.6 (MANE Select); coding-DNA position 2296, A replaced by G.
Protein change: p.Ile766Val; replaces isoleucine 766 with valine.
Molecular consequence: missense variant.
Genome position (GRCh38, 1-based): chr15:28,260,797, T>C on the plus strand (A>G on the coding strand, the complement: HERC2 is on the minus strand). VCF-style: chr15-28260797-T-C. GRCh37 (hg19) VCF-style: chr15-28505943-T-C.
Other names: short protein forms I766V.
Identifiers: ClinVar variation 1801132 (VCV001801132.2), dbSNP rs1198048441, ClinGen allele CA391396170.